The following is an entry in ClinVar:

NM_004385.5(VCAN):c.5786C>T (p.Pro1929Leu)

Genes: VCAN (versican; plus strand), VCAN-AS1 (VCAN antisense RNA 1; minus strand). Cytogenetic location: 5q14.3.
Variant type: single nucleotide variant.
Coding change: c.5786C>T on transcript NM_004385.5 (MANE Select); coding-DNA position 5786, C replaced by T.
Protein change: p.Pro1929Leu; replaces proline 1929 with leucine.
Molecular consequence: missense variant. On other transcripts: intron variant (2).
Genome position (GRCh38, 1-based): chr5:83,538,789, C>T. VCF-style: chr5-83538789-C-T. GRCh37 (hg19) VCF-style: chr5-82834608-C-T.
Other names: c.2825C>T, p.Pro942Leu (NM_001164097.2); c.4004-6748C>T (NM_001164098.2); c.1043-6748C>T (NM_001126336.3); short protein forms P1929L, P942L.
Identifiers: ClinVar variation 1999950 (VCV001999950.4), dbSNP rs1487432276, ClinGen allele CA360311151.
Genomic context (GRCh38, chr5:83,538,789, plus strand): 5'-CAGAGCGATTAGGAGAACCAAATTATGGGGCAGAAATAAGGGGCTTTTCCACAGGTTTTC[C>T]TTTGGAGGAAGATTTCAGTGGTGACTTTAGAGAATACTCAACAGTGTCTCATCCCATAGC-3'
Protein context (NP_004376.2, residues 1919-1939): AEIRGFSTGF[Pro1929Leu]LEEDFSGDFR

ClinVar aggregate classification (germline): Uncertain significance (1 of 4 stars; one submission).

Allele frequency attached by ClinVar (database versions not stated): TOPMed below 0.00001; gnomAD 0.00001.
gnomAD v4.1: 1 of 1,613,768 alleles (0.000062%); highest among the groups gnomAD compares: Non-Finnish European, 0.000085%; no homozygotes.

Submission:

Labcorp Genetics (formerly Invitae), Labcorp
Classification: Uncertain significance. Last evaluated: 2022-05-28. Review status: criteria provided, single submitter. Criteria: Invitae Variant Classification Sherloc (09022015). Collection method: clinical testing. Allele origin: germline.
Comment: In summary, the available evidence is currently insufficient to determine the role of this variant in disease. Therefore, it has been classified as a Variant of Uncertain Significance. Algorithms developed to predict the effect of missense changes on protein structure and function are either unavailable or do not agree on the potential impact of this missense change (SIFT: "Deleterious"; PolyPhen-2: "Probably Damaging"; Align-GVGD: "Class C0"). This variant has not been reported in the literature in individuals affected with VCAN-related conditions. This variant is not present in population databases (gnomAD no frequency). This sequence change replaces proline, which is neutral and non-polar, with leucine, which is neutral and non-polar, at codon 1929 of the VCAN protein (p.Pro1929Leu).